The following is an entry in ClinVar:

ClinVar aggregate classification (germline): Uncertain significance (1 of 4 stars; one submission).

Submission:

Labcorp Genetics (formerly Invitae), Labcorp
Classification: Uncertain significance. Last evaluated: 2023-06-21. Review status: criteria provided, single submitter. Criteria: Invitae Variant Classification Sherloc (09022015). Collection method: clinical testing. Allele origin: germline.
Comment: In summary, the available evidence is currently insufficient to determine the role of this variant in disease. Therefore, it has been classified as a Variant of Uncertain Significance. This sequence change replaces glutamic acid, which is acidic and polar, with glutamine, which is neutral and polar, at codon 63 of the GUCY2C protein (p.Glu63Gln). This variant is not present in population databases (gnomAD no frequency). This variant has not been reported in the literature in individuals affected with GUCY2C-related conditions. Advanced modeling of protein sequence and biophysical properties (such as structural, functional, and spatial information, amino acid conservation, physicochemical variation, residue mobility, and thermodynamic stability) performed at Invitae indicates that this missense variant is not expected to disrupt GUCY2C protein function.

NM_004963.4(GUCY2C):c.187G>C (p.Glu63Gln)

Genes: GUCY2C (guanylate cyclase 2C; minus strand), GUCY2C-AS1 (GUCY2C antisense RNA 1; plus strand). Cytogenetic location: 12p12.3.
Variant type: single nucleotide variant.
Coding change: c.187G>C on transcript NM_004963.4 (MANE Select); coding-DNA position 187, G replaced by C.
Protein change: p.Glu63Gln; replaces glutamic acid 63 with glutamine.
Molecular consequence: missense variant.
Genome position (GRCh38, 1-based): chr12:14,696,262, C>G on the plus strand (G>C on the coding strand, the complement: GUCY2C is on the minus strand). VCF-style: chr12-14696262-C-G. GRCh37 (hg19) VCF-style: chr12-14849196-C-G.
Other names: short protein forms E63Q.
Identifiers: ClinVar variation 2720519 (VCV002720519.3), dbSNP rs2497845772, ClinGen allele CA384008863.